The following is an entry in ClinVar:

GRCh38/hg38 5p15.33-15.32(chr5:113462-5578808)x1

Genes: ADAMTS16 (ADAM metallopeptidase with thrombospondin type 1 motif 16; plus strand), ADAMTS16-AS1 (ADAMTS16 antisense RNA 1; minus strand), ADAMTS16-DT (ADAMTS16 divergent transcript; minus strand), AHRR (aryl hydrocarbon receptor repressor; plus strand), BRD9 (bromodomain containing 9; minus strand) and 222 more. Cytogenetic location: 5p15.33-15.32.
Variant type: copy number loss.
Change: copy number 1 (one copy instead of two) of chr5:113,462-5,578,808 (5.47 Mb, GRCh38 coordinates, 1-based), cytogenetic band 5p15.33-15.32.
Identifiers: ClinVar variation 4796057 (VCV004796057.1).

ClinVar aggregate classification (germline): Pathogenic (1 of 4 stars; one submission).

Submission:

Medical Genetic Center, Changzhi Maternal and Child Health Care Hospital
Classification: Pathogenic. Last evaluated: 2025-12-10. Review status: criteria provided, single submitter. Criteria: ACMG/ClinGen CNV Guidelines, 2019. Collection method: clinical testing. Allele origin: unknown.
Comment: 2A: 5p15 terminal (Cri du chat syndrome) region